The following is an entry in ClinVar:

ClinVar aggregate classification (germline): Uncertain significance (1 of 4 stars; one submission).

Conditions:
Pure or complex autosomal recessive spastic paraplegia. Identifiers: Orphanet 320346, MedGen C5679887, MONDO:0017915.

Submission:

Labcorp Genetics (formerly Invitae), Labcorp
Classification: Uncertain significance for Pure or complex autosomal recessive spastic paraplegia. Last evaluated: 2022-10-10. Review status: criteria provided, single submitter. Criteria: Invitae Variant Classification Sherloc (09022015). Collection method: clinical testing. Allele origin: germline.
Comment: This variant has not been reported in the literature in individuals affected with ZFR-related conditions. This variant is not present in population databases (gnomAD no frequency). This sequence change replaces glycine, which is neutral and non-polar, with glutamic acid, which is acidic and polar, at codon 880 of the ZFR protein (p.Gly880Glu). In summary, the available evidence is currently insufficient to determine the role of this variant in disease. Therefore, it has been classified as a Variant of Uncertain Significance. Algorithms developed to predict the effect of missense changes on protein structure and function are either unavailable or do not agree on the potential impact of this missense change (SIFT: "Deleterious"; PolyPhen-2: "Not Available"; Align-GVGD: "Class C65").

NM_016107.5(ZFR):c.2639G>A (p.Gly880Glu)

Gene: ZFR (zinc finger RNA binding protein; minus strand). Cytogenetic location: 5p13.3.
Variant type: single nucleotide variant.
Coding change: c.2639G>A on transcript NM_016107.5 (MANE Select); coding-DNA position 2639, G replaced by A.
Protein change: p.Gly880Glu; replaces glycine 880 with glutamic acid.
Molecular consequence: missense variant. On other transcripts: non-coding transcript variant (1).
Genome position (GRCh38, 1-based): chr5:32,385,510, C>T on the plus strand (G>A on the coding strand, the complement: ZFR is on the minus strand). VCF-style: chr5-32385510-C-T. GRCh37 (hg19) VCF-style: chr5-32385616-C-T.
Other names: short protein forms G880E.
Identifiers: ClinVar variation 1985683 (VCV001985683.4), dbSNP rs1753024726, ClinGen allele CA359352162.
Genomic context (GRCh38, chr5:32,385,510, plus strand): 5'-GAGTAGATAAATGAAAAAAAAAGTTAATAGAAAGTAGAAAGTTTAATGGCTTTCCAACCT[C>T]CTTCCCTCATGTTCTCTTCTCGAATAATTGGAGATGTCAGTGTGATAGTGACTTGCATTT-3'
Protein context (NP_057191.2, residues 870-890): PIIREENMRE[Gly880Glu]DVTSGMVKDP